The following is an entry in ClinVar:

NM_000545.8(HNF1A):c.527-51T>A

Gene: HNF1A (HNF1 homeobox A; plus strand). Cytogenetic location: 12q24.31.
Variant type: single nucleotide variant.
Coding change: c.527-51T>A on transcript NM_000545.8 (MANE Select); 51 bases into the intron before coding-DNA position 527, T replaced by A.
Molecular consequence: intron variant.
Genome position (GRCh38, 1-based): chr12:120,993,469, T>A. VCF-style: chr12-120993469-T-A. GRCh37 (hg19) VCF-style: chr12-121431272-T-A.
Other names: c.527-51T>A (NM_001306179.2).
Identifiers: ClinVar variation 674357 (VCV000674357.10), dbSNP rs2071190, ClinGen allele CA6831775.
Genomic context (GRCh38, chr12:120,993,469, plus strand): 5'-CCTCTGGTTCAGCGCCATGGCAATGAGAAAGAATCAAGGGCAAGGTCAGGGGAATGGACG[T>A]GGGAAGGTGAGAGTGGCCAGTACCCCACTCACGGCTTTCTGTGCCTGCAGAGTTCACCCA-3'

ClinVar aggregate classification (germline): Benign. Review status: criteria provided, multiple submitters, no conflicts (2 of 4 stars). 3 submissions from 3 submitters: Benign (3). Last evaluated 2025-09-02.

Allele frequency attached by ClinVar (database versions not stated): ExAC 0.23540; gnomAD exomes 0.24098 and 0.24435; ESP Exome Variant Server 0.24243; gnomAD 0.24536 and 0.24775; 1000 Genomes Project 0.25240; 1000 Genomes Project 30x 0.25765; TOPMed 0.25829.

Submissions (3):

Labcorp Genetics (formerly Invitae), Labcorp
Classification: Benign. Last evaluated: 2025-09-02. Review status: criteria provided, single submitter. Criteria: Invitae Variant Classification Sherloc (09022015). Collection method: clinical testing. Allele origin: germline.

GeneDx
Classification: Benign. Last evaluated: 2018-06-14. Review status: criteria provided, single submitter. Criteria: GeneDx Variant Classification (06012015). Collection method: clinical testing. Allele origin: germline. Affected: yes.
Comment: This variant is considered likely benign or benign based on one or more of the following criteria: it is a conservative change, it occurs at a poorly conserved position in the protein, it is predicted to be benign by multiple in silico algorithms, and/or has population frequency not consistent with disease.

Breakthrough Genomics
Classification: Benign. Review status: criteria provided, single submitter. Criteria: ACMG Guidelines, 2015. Collection method: not provided. Allele origin: germline. Inheritance: Autosomal dominant inheritance. Affected: yes.